The following is an entry in ClinVar:

NM_001206927.2(DNAH8):c.4957G>A (p.Glu1653Lys)

Gene: DNAH8 (dynein axonemal heavy chain 8; plus strand). Cytogenetic location: 6p21.2.
Variant type: single nucleotide variant.
Coding change: c.4957G>A on transcript NM_001206927.2 (MANE Select); coding-DNA position 4957, G replaced by A.
Protein change: p.Glu1653Lys; replaces glutamic acid 1653 with lysine.
Molecular consequence: missense variant.
Genome position (GRCh38, 1-based): chr6:38,845,685, G>A. VCF-style: chr6-38845685-G-A. GRCh37 (hg19) VCF-style: chr6-38813461-G-A.
Other names: c.4306G>A, p.Glu1436Lys (NM_001371.4); short protein forms E1653K, E1436K.
Identifiers: ClinVar variation 238650 (VCV000238650.10), dbSNP rs765334148, ClinGen allele CA3789243.

ClinVar aggregate classification (germline): Uncertain significance. Review status: criteria provided, multiple submitters, no conflicts (2 of 4 stars). 2 submissions from 2 submitters: Uncertain significance (2). Last evaluated 2025-11-17.

Conditions:
Primary ciliary dyskinesia. Also called: Ciliary dyskinesia. Identifiers: Orphanet 244, MedGen C0008780, MONDO:0016575, HP:0012265.

Allele frequency attached by ClinVar (database versions not stated): gnomAD exomes 0.00004 and 0.00009; TOPMed 0.00004; ExAC 0.00008; gnomAD 0.00002.
gnomAD v4.1: 26 of 1,613,860 alleles (0.0016%); highest among the groups gnomAD compares: Admixed American, 0.043%; no homozygotes.

Submissions (2):

Labcorp Genetics (formerly Invitae), Labcorp
Classification: Uncertain significance for Primary ciliary dyskinesia. Last evaluated: 2025-11-17. Review status: criteria provided, single submitter. Criteria: Invitae Variant Classification Sherloc (09022015). Collection method: clinical testing. Allele origin: germline.
Comment: This sequence change replaces glutamic acid, which is acidic and polar, with lysine, which is basic and polar, at codon 1653 of the DNAH8 protein (p.Glu1653Lys). This variant is present in population databases (rs765334148, gnomAD 0.06%). This variant has not been reported in the literature in individuals affected with DNAH8-related conditions. ClinVar contains an entry for this variant (Variation ID: 238650). Invitae Evidence Modeling of protein sequence and biophysical properties (such as structural, functional, and spatial information, amino acid conservation, physicochemical variation, residue mobility, and thermodynamic stability) indicates that this missense variant is expected to disrupt DNAH8 protein function with a positive predictive value of 80%. In summary, the available evidence is currently insufficient to determine the role of this variant in disease. Therefore, it has been classified as a Variant of Uncertain Significance.

Ambry Genetics
Classification: Uncertain significance. Last evaluated: 2025-01-22. Review status: criteria provided, single submitter. Criteria: Ambry Variant Classification Scheme 2023. Collection method: clinical testing. Allele origin: germline.